The following is an entry in ClinVar:

NM_019032.6(ADAMTSL4):c.2270G>A (p.Gly757Asp)

Gene: ADAMTSL4 (ADAMTS like 4; plus strand). Cytogenetic location: 1q21.2.
Variant type: single nucleotide variant.
Coding change: c.2270G>A on transcript NM_019032.6 (MANE Select); coding-DNA position 2270, G replaced by A.
Protein change: p.Gly757Asp; replaces glycine 757 with aspartic acid.
Molecular consequence: missense variant.
Genome position (GRCh38, 1-based): chr1:150,558,037, G>A. VCF-style: chr1-150558037-G-A. GRCh37 (hg19) VCF-style: chr1-150530513-G-A.
Other names: c.2153G>A, p.Gly718Asp (NM_001288607.2); c.2339G>A, p.Gly780Asp (NM_001288608.2); c.2270G>A, p.Gly757Asp (NM_001378596.1, NM_025008.5); short protein forms G780D, G718D, G757D.
Identifiers: ClinVar variation 2090500 (VCV002090500.4), dbSNP rs2526753771, ClinGen allele CA342314781.
Genomic context (GRCh38, chr1:150,558,037, plus strand): 5'-GCTCCTGTGGCCCCGGCACCCAGCACCGCCAGCTGCAGTGCCGGCAGGAATTTGGGGGGG[G>A]TGGCTCCTCGGTGCCCCCGGAGCGCTGTGGACATCTCCCCCGGCCCAACATCACCCAGTC-3'
Protein context (NP_061905.2, residues 747-767): QLQCRQEFGG[Gly757Asp]GSSVPPERCG

ClinVar aggregate classification (germline): Uncertain significance (1 of 4 stars; one submission).

Allele frequency attached by ClinVar (database versions not stated): gnomAD exomes below 0.00001.
gnomAD v4.1: 3 of 1,612,824 alleles (0.00019%); highest among the groups gnomAD compares: Non-Finnish European, 0.00025%; no homozygotes.

Submission:

Labcorp Genetics (formerly Invitae), Labcorp
Classification: Uncertain significance. Last evaluated: 2022-01-27. Review status: criteria provided, single submitter. Criteria: Invitae Variant Classification Sherloc (09022015). Collection method: clinical testing. Allele origin: germline.
Comment: In summary, the available evidence is currently insufficient to determine the role of this variant in disease. Therefore, it has been classified as a Variant of Uncertain Significance. Algorithms developed to predict the effect of missense changes on protein structure and function (SIFT, PolyPhen-2, Align-GVGD) all suggest that this variant is likely to be disruptive. This variant has not been reported in the literature in individuals affected with ADAMTSL4-related conditions. This variant is not present in population databases (gnomAD no frequency). This sequence change replaces glycine, which is neutral and non-polar, with aspartic acid, which is acidic and polar, at codon 757 of the ADAMTSL4 protein (p.Gly757Asp).